The following is an entry in ClinVar:

ClinVar aggregate classification (germline): Pathogenic/Likely pathogenic. Review status: criteria provided, multiple submitters, no conflicts (2 of 4 stars). 4 submissions from 4 submitters: Pathogenic (2); Likely pathogenic (2). Last evaluated 2025-12-31.

Conditions:
CYB5R3-related disorders.
Rare anaemia.

Submissions (4):

North West Genomic Laboratory Hub, Manchester University NHS Foundation Trust
Classification: Likely pathogenic for Rare anaemia. Last evaluated: 2025-12-31. Review status: criteria provided, single submitter. Criteria: ACGS Best Practice Guidelines for Variant Classification in Rare Disease 2024. Collection method: clinical testing. Allele origin: germline. Affected: yes.
Comment: PP4_Supp PM2_Mod PP3_Supp PM3_Mod

Labcorp Genetics (formerly Invitae), Labcorp
Classification: Pathogenic. Last evaluated: 2025-11-02. Review status: criteria provided, single submitter. Criteria: Invitae Variant Classification Sherloc (09022015). Collection method: clinical testing. Allele origin: germline.
Comment: This sequence change replaces alanine, which is neutral and non-polar, with threonine, which is neutral and polar, at codon 179 of the CYB5R3 protein (p.Ala179Thr). This variant is present in population databases (rs530251354, gnomAD 0.03%). This missense change has been observed in individuals with clinical features of methmoglobinemia (PMID: 11159544, 11295830, 21349748, 24266649, 35104462, 40429944). This variant is also known as A178T or c.536G>A. ClinVar contains an entry for this variant (Variation ID: 3723992). Invitae Evidence Modeling of protein sequence and biophysical properties (such as structural, functional, and spatial information, amino acid conservation, physicochemical variation, residue mobility, and thermodynamic stability) indicates that this missense variant is expected to disrupt CYB5R3 protein function with a positive predictive value of 95%. This variant disrupts the p.Ala179 amino acid residue in CYB5R3. Other variant(s) that disrupt this residue have been observed in individuals with CYB5R3-related conditions (PMID: 9886302), which suggests that this may be a clinically significant amino acid residue. For these reasons, this variant has been classified as Pathogenic.

Mayo Clinic Laboratories, Mayo Clinic
Classification: Likely pathogenic. Last evaluated: 2025-09-11. Review status: criteria provided, single submitter. Criteria: ACMG Guidelines, 2015. Collection method: clinical testing. Allele origin: germline. Observed: 2 variant alleles.
Comment: PM1, PM2_supporting, PM3, PM5

Blueprint Genetics
Classification: Pathogenic for CYB5R3-related disorders. Last evaluated: 2023-02-08. Review status: criteria provided, single submitter. Criteria: ACMG Guidelines, 2015. Collection method: clinical testing. Allele origin: germline. Affected: yes. Observed: 5 variant alleles.

Literature cited by the submitters: PubMed 11159544 (cited by Labcorp Genetics (formerly Invitae), Labcorp and Mayo Clinic Laboratories, Mayo Clinic); PubMed 11295830 (cited by Labcorp Genetics (formerly Invitae), Labcorp and Mayo Clinic Laboratories, Mayo Clinic); PubMed 21349748 (cited by Labcorp Genetics (formerly Invitae), Labcorp and Mayo Clinic Laboratories, Mayo Clinic); PubMed 24266649 (cited by Labcorp Genetics (formerly Invitae), Labcorp and Mayo Clinic Laboratories, Mayo Clinic); PubMed 35104462 (cited by Labcorp Genetics (formerly Invitae), Labcorp and Mayo Clinic Laboratories, Mayo Clinic); PubMed 40429944 (cited by Labcorp Genetics (formerly Invitae), Labcorp); PubMed 9886302 (cited by Labcorp Genetics (formerly Invitae), Labcorp).

NM_000398.7(CYB5R3):c.535G>A (p.Ala179Thr)

Gene: CYB5R3 (cytochrome b5 reductase 3; minus strand). Cytogenetic location: 22q13.2.
Variant type: single nucleotide variant.
Coding change: c.535G>A on transcript NM_000398.7 (MANE Select); coding-DNA position 535, G replaced by A.
Protein change: p.Ala179Thr; replaces alanine 179 with threonine.
Molecular consequence: missense variant.
Genome position (GRCh38, 1-based): chr22:42,627,617, C>T on the plus strand (G>A on the coding strand, the complement: CYB5R3 is on the minus strand). VCF-style: chr22-42627617-C-T. GRCh37 (hg19) VCF-style: chr22-43023623-C-T.
Other names: p.Ala179Thr; c.466G>A, p.Ala156Thr (NM_001129819.2, NM_001171661.1, NM_007326.4); c.634G>A, p.Ala212Thr (NM_001171660.2); short protein forms A156T, A179T, A212T.
Identifiers: ClinVar variation 3723992 (VCV003723992.5).